The following is an entry in ClinVar:

NM_080916.3(DGUOK):c.319T>C (p.Ser107Pro)

Gene: DGUOK (deoxyguanosine kinase; plus strand). Cytogenetic location: 2p13.1.
Variant type: single nucleotide variant.
Coding change: c.319T>C on transcript NM_080916.3 (MANE Select); coding-DNA position 319, T replaced by C.
Protein change: p.Ser107Pro; replaces serine 107 with proline.
Molecular consequence: missense variant. On other transcripts: non-coding transcript variant (5).
Genome position (GRCh38, 1-based): chr2:73,946,782, T>C. VCF-style: chr2-73946782-T-C. GRCh37 (hg19) VCF-style: chr2-74173909-T-C.
Other names: c.319T>C, p.Ser107Pro (NM_001318859.2, NM_080918.3); c.28T>C, p.Ser10Pro (NM_001318860.2, NM_001318861.2, NM_001318862.2 and 1 more transcripts); short protein forms S107P, S10P.
Identifiers: ClinVar variation 1502660 (VCV001502660.8), dbSNP rs2104944559, ClinGen allele CA347298996.

ClinVar aggregate classification (germline): Uncertain significance (1 of 4 stars; one submission).

Allele frequency attached by ClinVar (database versions not stated): gnomAD exomes below 0.00001.
gnomAD v4.1: 3 of 1,614,112 alleles (0.00019%); highest among the groups gnomAD compares: Non-Finnish European, 0.00025%; no homozygotes.

Submission:

Labcorp Genetics (formerly Invitae), Labcorp
Classification: Uncertain significance. Last evaluated: 2021-06-08. Review status: criteria provided, single submitter. Criteria: Invitae Variant Classification Sherloc (09022015). Collection method: clinical testing. Allele origin: germline.
Comment: This sequence change replaces serine with proline at codon 107 of the DGUOK protein (p.Ser107Pro). The serine residue is moderately conserved and there is a moderate physicochemical difference between serine and proline. Algorithms developed to predict the effect of missense changes on protein structure and function are either unavailable or do not agree on the potential impact of this missense change (SIFT: "Deleterious"; PolyPhen-2: "Probably Damaging"; Align-GVGD: "Class C0"). This variant has been observed in individual(s) with clinical features of mitochondrial DNA depletion syndrome (PMID: 18205204). This variant is not present in population databases (ExAC no frequency). In summary, the available evidence is currently insufficient to determine the role of this variant in disease. Therefore, it has been classified as a Variant of Uncertain Significance.

Literature cited by the submitters: PubMed 18205204.